The following is an entry in ClinVar:

ClinVar aggregate classification (germline): Likely benign. Review status: criteria provided, single submitter (1 of 4 stars). 2 submissions from 2 submitters: Likely benign (1). 1 of the submissions does not count toward it. Last evaluated 2025-11-06.

Conditions:
DYNC1H1-related disorder. Also called: DYNC1H1-related condition; DYNC1H1-related disorders. Identifiers: MedGen CN381529.
Charcot-Marie-Tooth disease axonal type 2O. Also called: CHARCOT-MARIE-TOOTH NEUROPATHY, AXONAL, TYPE 2O; CHARCOT-MARIE-TOOTH DISEASE, AXONAL, AUTOSOMAL DOMINANT, TYPE 2O; Charcot-Marie-Tooth Neuropathy Type 2O; Charcot-Marie-Tooth disease, axonal, type 20. Identifiers: Orphanet 284232, MedGen C3280220, MONDO:0013644, OMIM 614228.

Allele frequency attached by ClinVar (database versions not stated): TOPMed below 0.00001.
gnomAD v4.1: 1 of 1,614,136 alleles (0.000062%); no homozygotes.

Submissions (2):

Labcorp Genetics (formerly Invitae), Labcorp
Classification: Likely benign for Charcot-Marie-Tooth disease axonal type 2O. Last evaluated: 2025-11-06. Review status: criteria provided, single submitter. Criteria: Invitae Variant Classification Sherloc (09022015). Collection method: clinical testing. Allele origin: germline.

PreventionGenetics, part of Exact Sciences
Classification: Uncertain significance for DYNC1H1-related condition. Last evaluated: 2024-05-09. Review status: no assertion criteria provided. Collection method: clinical testing. Allele origin: germline. Not counted in ClinVar's aggregate classification.
Comment: The DYNC1H1 c.12503G>A variant is predicted to result in the amino acid substitution p.Arg4168Gln. To our knowledge, this variant has not been reported in the literature. This variant is reported in 0.0029% of alleles in individuals of Latino descent in gnomAD. At this time, the clinical significance of this variant is uncertain due to the absence of conclusive functional and genetic evidence.

NM_001376.5(DYNC1H1):c.12503G>A (p.Arg4168Gln)

Gene: DYNC1H1 (dynein cytoplasmic 1 heavy chain 1; plus strand). Cytogenetic location: 14q32.31.
Variant type: single nucleotide variant.
Coding change: c.12503G>A on transcript NM_001376.5 (MANE Select); coding-DNA position 12503, G replaced by A.
Protein change: p.Arg4168Gln; replaces arginine 4168 with glutamine.
Molecular consequence: missense variant.
Genome position (GRCh38, 1-based): chr14:102,042,738, G>A. VCF-style: chr14-102042738-G-A. GRCh37 (hg19) VCF-style: chr14-102509075-G-A.
Other names: short protein forms R4168Q.
Identifiers: ClinVar variation 1968894 (VCV001968894.6), dbSNP rs1468120172, ClinGen allele CA391041732.
Genomic context (GRCh38, chr14:102,042,738, plus strand): 5'-AGCCACCGCCAGGGGTGAAGGCCAACATGCTGAGGACGTTCAGCAGCATTCCCGTCTCAC[G>A]GATATGCAAGGTAAGTACCTTGTCCTCCTGGTATGCTTTCCCCATAGAAGCTAAAGCCCA-3'
Protein context (NP_001367.2, residues 4158-4178): LRTFSSIPVS[Arg4168Gln]ICKSPNERAR